The following is an entry in ClinVar:

NM_004738.5(VAPB):c.283G>C (p.Ala95Pro)

Gene: VAPB (VAMP associated protein B and C; plus strand). Cytogenetic location: 20q13.32.
Variant type: single nucleotide variant.
Coding change: c.283G>C on transcript NM_004738.5 (MANE Select); coding-DNA position 283, G replaced by C.
Protein change: p.Ala95Pro; replaces alanine 95 with proline.
Molecular consequence: missense variant. On other transcripts: intron variant (1).
Genome position (GRCh38, 1-based): chr20:58,434,673, G>C. VCF-style: chr20-58434673-G-C. GRCh37 (hg19) VCF-style: chr20-57009729-G-C.
Other names: c.212-9404G>C (NM_001195677.2); short protein forms A95P.
Identifiers: ClinVar variation 2941986 (VCV002941986.3), dbSNP rs1386657676, ClinGen allele CA409439214.
Genomic context (GRCh38, chr20:58,434,673, plus strand): 5'-CCTTTCGATTATGATCCCAATGAGAAAAGTAAACACAAGTTTATGGTTCAGTCTATGTTT[G>C]CTCCAACTGACACTTCAGATATGGAAGCAGTAGTAAGTACTGAATGCTTCTTATTTTTTT-3'
Protein context (NP_004729.1, residues 85-105): KHKFMVQSMF[Ala95Pro]PTDTSDMEAV

ClinVar aggregate classification (germline): Uncertain significance (1 of 4 stars; one submission).

Conditions:
Amyotrophic lateral sclerosis type 8 (ALS8). Identifiers: Orphanet 803, MedGen C1837728, MONDO:0012077, OMIM 608627.
Adult-onset proximal spinal muscular atrophy, autosomal dominant. Also called: Spinal muscular atrophy, late-onset, finkel type; FINKEL LATE-ADULT TYPE SMA. Identifiers: Orphanet 209335, MedGen C1854058, MONDO:0008453, OMIM 182980.

Submission:

Labcorp Genetics (formerly Invitae), Labcorp
Classification: Uncertain significance for Adult-onset proximal spinal muscular atrophy, autosomal dominant; Amyotrophic lateral sclerosis type 8. Last evaluated: 2022-12-02. Review status: criteria provided, single submitter. Criteria: Invitae Variant Classification Sherloc (09022015). Collection method: clinical testing. Allele origin: germline.
Comment: This variant has not been reported in the literature in individuals affected with VAPB-related conditions. Advanced modeling of protein sequence and biophysical properties (such as structural, functional, and spatial information, amino acid conservation, physicochemical variation, residue mobility, and thermodynamic stability) performed at Invitae indicates that this missense variant is expected to disrupt VAPB protein function. In summary, the available evidence is currently insufficient to determine the role of this variant in disease. Therefore, it has been classified as a Variant of Uncertain Significance. This variant is not present in population databases (gnomAD no frequency). This sequence change replaces alanine, which is neutral and non-polar, with proline, which is neutral and non-polar, at codon 95 of the VAPB protein (p.Ala95Pro).